The following is an entry in ClinVar:

NM_001605.3(AARS1):c.1060G>T (p.Val354Phe)

Gene: AARS1 (alanyl-tRNA synthetase 1; minus strand). Cytogenetic location: 16q22.1.
Variant type: single nucleotide variant.
Coding change: c.1060G>T on transcript NM_001605.3 (MANE Select); coding-DNA position 1060, G replaced by T.
Protein change: p.Val354Phe; replaces valine 354 with phenylalanine.
Molecular consequence: missense variant.
Genome position (GRCh38, 1-based): chr16:70,268,282, C>A on the plus strand (G>T on the coding strand, the complement: AARS1 is on the minus strand). VCF-style: chr16-70268282-C-A. GRCh37 (hg19) VCF-style: chr16-70302185-C-A.
Other names: short protein forms V354F.
Identifiers: ClinVar variation 960086 (VCV000960086.9), dbSNP rs762395098, ClinGen allele CA8140942.

ClinVar aggregate classification (germline): Uncertain significance (1 of 4 stars; one submission).

Conditions:
Charcot-Marie-Tooth disease type 2. Also called: Charcot-Marie-Tooth type 2. Identifiers: Orphanet 64746, MedGen C0270914, MONDO:0018993.

Allele frequency attached by ClinVar (database versions not stated): TOPMed 0.00003.
gnomAD v4.1: 4 of 1,613,856 alleles (0.00025%); highest among the groups gnomAD compares: East Asian, 0.0067%; no homozygotes.

Submission:

Labcorp Genetics (formerly Invitae), Labcorp
Classification: Uncertain significance for Charcot-Marie-Tooth disease type 2. Last evaluated: 2022-02-04. Review status: criteria provided, single submitter. Criteria: Invitae Variant Classification Sherloc (09022015). Collection method: clinical testing. Allele origin: germline.
Comment: ClinVar contains an entry for this variant (Variation ID: 960086). This variant has not been reported in the literature in individuals affected with AARS-related conditions. This variant is present in population databases (rs762395098, gnomAD 0.02%). This sequence change replaces valine, which is neutral and non-polar, with phenylalanine, which is neutral and non-polar, at codon 354 of the AARS protein (p.Val354Phe). Algorithms developed to predict the effect of missense changes on protein structure and function are either unavailable or do not agree on the potential impact of this missense change (SIFT: "Deleterious"; PolyPhen-2: "Probably Damaging"; Align-GVGD: "Class C0"). In summary, the available evidence is currently insufficient to determine the role of this variant in disease. Therefore, it has been classified as a Variant of Uncertain Significance.